The following is an entry in ClinVar:

ClinVar aggregate classification (germline): Uncertain significance (1 of 4 stars; one submission).

Conditions:
KBG syndrome (KBGS). Also called: ANKRD11-Related KBG Syndrome. Identifiers: Orphanet 2332, MedGen C0220687, MONDO:0007846, OMIM 148050.

Allele frequency attached by ClinVar (database versions not stated): gnomAD exomes below 0.00001; ExAC 0.00002; gnomAD 0.00003; TOPMed 0.00003; ESP Exome Variant Server 0.00008.
gnomAD v4.1: 9 of 1,580,066 alleles (0.00057%); highest among the groups gnomAD compares: African/African-American, 0.0095%; no homozygotes.

Submission:

Labcorp Genetics (formerly Invitae), Labcorp
Classification: Uncertain significance for KBG syndrome. Last evaluated: 2023-10-25. Review status: criteria provided, single submitter. Criteria: Invitae Variant Classification Sherloc (09022015). Collection method: clinical testing. Allele origin: germline.
Comment: This sequence change replaces glycine, which is neutral and non-polar, with valine, which is neutral and non-polar, at codon 1849 of the ANKRD11 protein (p.Gly1849Val). The frequency data for this variant in the population databases is considered unreliable, as metrics indicate poor data quality at this position in the gnomAD database. This variant has not been reported in the literature in individuals affected with ANKRD11-related conditions. Advanced modeling of protein sequence and biophysical properties (such as structural, functional, and spatial information, amino acid conservation, physicochemical variation, residue mobility, and thermodynamic stability) performed at Invitae indicates that this missense variant is not expected to disrupt ANKRD11 protein function with a negative predictive value of 95%. In summary, the available evidence is currently insufficient to determine the role of this variant in disease. Therefore, it has been classified as a Variant of Uncertain Significance.

NM_013275.6(ANKRD11):c.5546G>T (p.Gly1849Val)

Gene: ANKRD11 (ankyrin repeat domain 11; minus strand). Cytogenetic location: 16q24.3.
Variant type: single nucleotide variant.
Coding change: c.5546G>T on transcript NM_013275.6 (MANE Select); coding-DNA position 5546, G replaced by T.
Protein change: p.Gly1849Val; replaces glycine 1849 with valine.
Molecular consequence: missense variant.
Genome position (GRCh38, 1-based): chr16:89,280,996, C>A on the plus strand (G>T on the coding strand, the complement: ANKRD11 is on the minus strand). VCF-style: chr16-89280996-C-A. GRCh37 (hg19) VCF-style: chr16-89347404-C-A.
Other names: c.5546G>T, p.Gly1849Val (NM_001256182.2, NM_001256183.2); short protein forms G1849V.
Identifiers: ClinVar variation 2726195 (VCV002726195.3), dbSNP rs372636124, ClinGen allele CA8241807.
Genomic context (GRCh38, chr16:89,280,996, plus strand): 5'-GGTGGGCAGTGCAAAGCGTCGACTTTGGGCGACGGGAGGCCATAGTCTGGGGAGTAGTAC[C>A]CTGGCGACAAGCAGGCAAACTTCTCCGCGGGAACCGGGGGCAGGGGCGCCCTGTCTTCCA-3'
Protein context (NP_037407.4, residues 1839-1859): PAEKFACLSP[Gly1849Val]YYSPDYGLPS